The following is an entry in ClinVar:

NM_005422.4(TECTA):c.275_286del (p.Gly92_Phe95del)

Genes: TBCEL-TECTA (TBCEL-TECTA readthrough; plus strand), TECTA (tectorin alpha; plus strand). Cytogenetic location: 11q23.3.
Variant type: Deletion.
Coding change: c.275_286del on transcript NM_005422.4 (MANE Select); coding-DNA positions 275 to 286, 12 bases deleted (GGAGAGCCTTCG).
Protein change: p.Gly92_Phe95del.
Molecular consequence: inframe deletion.
Genome position (GRCh38, 1-based): chr11:121,109,287-121,109,298, GGAGAGCCTTCG deleted; deleting any 12 consecutive bases within chr11:121,109,286-121,109,298 gives the same sequence; the c. name uses the placement nearest the transcript's 3' end. VCF-style (leftmost placement, unchanged base first): chr11-121109285-TGGGAGAGCCTTC-T. GRCh37 (hg19) VCF-style: chr11-120979994-TGGGAGAGCCTTC-T.
Other names: c.1232_1243del, p.Gly411_Phe414del (NM_001378761.1).
Identifiers: ClinVar variation 2446207 (VCV002446207.2), dbSNP rs2496891444, ClinGen allele CA2575008238.

ClinVar aggregate classification (germline): Uncertain significance (1 of 4 stars; one submission).

Submission:

GeneDx
Classification: Uncertain significance. Last evaluated: 2026-07-28. Review status: criteria provided, single submitter. Criteria: GeneDx Variant Classification Process June 2021. Collection method: clinical testing. Allele origin: germline.
Comment: Not observed at significant frequency in large population cohorts (gnomAD); In-frame deletion of 4 amino acid(s) in a non-repeat region; In silico analysis suggests that this variant does not alter protein structure/function; Has not been previously published as pathogenic or benign to our knowledge